The following is an entry in ClinVar:

NM_001005242.3(PKP2):c.665A>G (p.Gln222Arg)

Gene: PKP2 (plakophilin 2; minus strand). Cytogenetic location: 12p11.21.
Variant type: single nucleotide variant.
Coding change: c.665A>G on transcript NM_001005242.3 (MANE Select); coding-DNA position 665, A replaced by G.
Protein change: p.Gln222Arg; replaces glutamine 222 with arginine.
Molecular consequence: missense variant.
Genome position (GRCh38, 1-based): chr12:32,878,215, T>C on the plus strand (A>G on the coding strand, the complement: PKP2 is on the minus strand). VCF-style: chr12-32878215-T-C. GRCh37 (hg19) VCF-style: chr12-33031149-T-C.
Other names: c.665A>G, p.Gln222Arg (NM_001407155.1, NM_001407156.1, NM_001407157.1 and 2 more transcripts); c.338A>G, p.Gln113Arg (NM_001407158.1, NM_001407159.1, NM_001407160.1 and 1 more transcripts); short protein forms Q113R, Q222R.
Identifiers: ClinVar variation 4767499 (VCV004767499.1).

ClinVar aggregate classification (germline): Uncertain significance (1 of 4 stars; one submission).

Conditions:
Arrhythmogenic right ventricular dysplasia 9 (ARVD9). Also called: Arrhythmogenic Right Ventricular Dysplasia/Cardiomyopathy 9; ARRHYTHMOGENIC RIGHT VENTRICULAR DYSPLASIA, FAMILIAL, 9. Identifiers: MedGen C1836906, MONDO:0012180, OMIM 609040.

gnomAD v4.1: 2 of 1,614,162 alleles (0.00012%); highest among the groups gnomAD compares: Non-Finnish European, 0.00017%; no homozygotes.

Submission:

Labcorp Genetics (formerly Invitae), Labcorp
Classification: Uncertain significance for Arrhythmogenic right ventricular dysplasia 9. Last evaluated: 2025-09-20. Review status: criteria provided, single submitter. Criteria: Invitae Variant Classification Sherloc (09022015). Collection method: clinical testing. Allele origin: germline.
Comment: This sequence change replaces glutamine, which is neutral and polar, with arginine, which is basic and polar, at codon 222 of the PKP2 protein (p.Gln222Arg). This variant is not present in population databases (gnomAD no frequency). This variant has not been reported in the literature in individuals affected with PKP2-related conditions. An algorithm developed to predict the effect of missense changes on protein structure and function (PolyPhen-2) suggests that this variant is likely to be tolerated. In summary, the available evidence is currently insufficient to determine the role of this variant in disease. Therefore, it has been classified as a Variant of Uncertain Significance.